The following is an entry in ClinVar:

NM_003240.5(LEFTY2):c.371C>G (p.Pro124Arg)

Gene: LEFTY2 (left-right determination factor 2; minus strand). Cytogenetic location: 1q42.12.
Variant type: single nucleotide variant.
Coding change: c.371C>G on transcript NM_003240.5 (MANE Select); coding-DNA position 371, C replaced by G.
Protein change: p.Pro124Arg; replaces proline 124 with arginine.
Molecular consequence: missense variant. On other transcripts: intron variant (1).
Genome position (GRCh38, 1-based): chr1:225,939,882, G>C on the plus strand (C>G on the coding strand, the complement: LEFTY2 is on the minus strand). VCF-style: chr1-225939882-G-C. GRCh37 (hg19) VCF-style: chr1-226127582-G-C.
Other names: c.280-11C>G (NM_001172425.3); short protein forms P124R.
Identifiers: ClinVar variation 295973 (VCV000295973.15), dbSNP rs777195213, ClinGen allele CA1420610.

ClinVar aggregate classification (germline): Conflicting classifications of pathogenicity. Review status: criteria provided, conflicting classifications (1 of 4 stars). 3 submissions from 3 submitters: Uncertain significance (2); Benign (1). Last evaluated 2025-04-24.

Conditions:
Left-right axis malformations. Identifiers: MedGen C1866091.

Allele frequency attached by ClinVar (database versions not stated): gnomAD 0.00002 and 0.00003; gnomAD exomes 0.00002 and 0.00007; TOPMed 0.00002; ExAC 0.00019.
gnomAD v4.1: 30 of 1,550,008 alleles (0.0019%); highest among the groups gnomAD compares: East Asian, 0.051%; no homozygotes.

Submissions (3):

Ambry Genetics
Classification: Uncertain significance. Last evaluated: 2025-04-24. Review status: criteria provided, single submitter. Criteria: Ambry Variant Classification Scheme 2023. Collection method: clinical testing. Allele origin: germline.

Labcorp Genetics (formerly Invitae), Labcorp
Classification: Uncertain significance for Left-right axis malformations. Last evaluated: 2020-02-18. Review status: criteria provided, single submitter. Criteria: Invitae Variant Classification Sherloc (09022015). Collection method: clinical testing. Allele origin: germline.
Comment: This variant has not been reported in the literature in individuals with LEFTY2-related disease. ClinVar contains an entry for this variant (Variation ID: 295973). This sequence change replaces proline with arginine at codon 124 of the LEFTY2 protein (p.Pro124Arg). The proline residue is highly conserved and there is a moderate physicochemical difference between proline and arginine. The frequency data for this variant in the population databases is considered unreliable, as metrics indicate poor data quality at this position in the ExAC database. Algorithms developed to predict the effect of missense changes on protein structure and function are either unavailable or do not agree on the potential impact of this missense change (SIFT: "Deleterious"; PolyPhen-2: "Benign"; Align-GVGD: "Class C0"). In summary, the available evidence is currently insufficient to determine the role of this variant in disease. Therefore, it has been classified as a Variant of Uncertain Significance.

Illumina Laboratory Services, Illumina
Classification: Benign for Left-right axis malformations. Last evaluated: 2018-01-13. Review status: criteria provided, single submitter. Criteria: ICSL Variant Classification Criteria 13 December 2019. Collection method: clinical testing. Allele origin: germline.
Comment: This variant was observed in the ICSL laboratory as part of a predisposition screen in an ostensibly healthy population. It had not been previously curated by ICSL or reported in the Human Gene Mutation Database (HGMD: prior to June 1st, 2018), and was therefore a candidate for classification through an automated scoring system. Utilizing variant allele frequency, disease prevalence and penetrance estimates, and inheritance mode, an automated score was calculated to assess if this variant is too frequent to cause the disease. Based on the score and internal cut-off values, a variant classified as benign is not then subjected to further curation. The score for this variant resulted in a classification of benign for this disease.